The following is an entry in ClinVar:

ClinVar aggregate classification (germline): Uncertain significance. Review status: criteria provided, multiple submitters, no conflicts (2 of 4 stars). 2 submissions from 2 submitters: Uncertain significance (2). Last evaluated 2026-03-05.

Allele frequency attached by ClinVar (database versions not stated): TOPMed below 0.00001.

Submissions (2):

Women's Health and Genetics/Laboratory Corporation of America, LabCorp
Classification: Uncertain significance. Last evaluated: 2026-03-05. Review status: criteria provided, single submitter. Criteria: LabCorp Variant Classification Summary - May 2015. Collection method: clinical testing. Allele origin: germline.
Comment: Variant summary: COL12A1 c.5498G>A (p.Gly1833Asp) results in a non-conservative amino acid change in the encoded protein sequence. Algorithms developed to predict the effect of missense changes on protein structure and function are either unavailable or do not agree on the potential impact of this missense change. The variant was absent in 248972 control chromosomes. The available data on variant occurrences in the general population are insufficient to allow any conclusion about variant significance. To our knowledge, no occurrence of c.5498G>A in individuals affected with COL12A1-related conditions and no experimental evidence demonstrating its impact on protein function have been reported. ClinVar contains an entry for this variant (Variation ID: 2440220). Based on the evidence outlined above, the variant was classified as uncertain significance.

Revvity Omics, Revvity
Classification: Uncertain significance. Last evaluated: 2022-05-06. Review status: criteria provided, single submitter. Criteria: ACMG Guidelines, 2015. Collection method: clinical testing. Allele origin: germline.

NM_004370.6(COL12A1):c.5498G>A (p.Gly1833Asp)

Gene: COL12A1 (collagen type XII alpha 1 chain; minus strand). Cytogenetic location: 6q13.
Variant type: single nucleotide variant.
Coding change: c.5498G>A on transcript NM_004370.6 (MANE Select); coding-DNA position 5498, G replaced by A.
Protein change: p.Gly1833Asp; replaces glycine 1833 with aspartic acid.
Molecular consequence: missense variant.
Genome position (GRCh38, 1-based): chr6:75,134,752, C>T on the plus strand (G>A on the coding strand, the complement: COL12A1 is on the minus strand). VCF-style: chr6-75134752-C-T. GRCh37 (hg19) VCF-style: chr6-75844468-C-T.
Other names: c.2006G>A, p.Gly669Asp (NM_080645.3); short protein forms G1833D, G669D.
Identifiers: ClinVar variation 2440220 (VCV002440220.4), dbSNP rs1766497903, ClinGen allele CA364736156.